The following is an entry in ClinVar:

NM_004184.4(WARS1):c.725+14G>A

Gene: WARS1 (tryptophanyl-tRNA synthetase 1; minus strand). Cytogenetic location: 14q32.2.
Variant type: single nucleotide variant.
Coding change: c.725+14G>A on transcript NM_004184.4 (MANE Select); 14 bases into the intron after coding-DNA position 725, G replaced by A.
Molecular consequence: intron variant.
Genome position (GRCh38, 1-based): chr14:100,353,673, C>T on the plus strand (G>A on the coding strand, the complement: WARS1 is on the minus strand). VCF-style: chr14-100353673-C-T. GRCh37 (hg19) VCF-style: chr14-100820010-C-T.
Other names: c.602+14G>A (NM_213645.2, NM_213646.2); c.725+14G>A (NM_173701.2).
Identifiers: ClinVar variation 4887591 (VCV004887591.1).
Genomic context (GRCh38, chr14:100,353,673, plus strand): 5'-AATTTAGCTGTGGTCATGACAACTTGACATCCTCCTCTACCTATTGAAAAGGCAGCCAGA[C>T]GTTTTCTCCTTACCCCATGTAGTCCAGGTCAGAGAATATGAAAGTCTTGTTGATGTCAAA-3'

ClinVar aggregate classification (germline): Likely benign (1 of 4 stars; one submission).

gnomAD v4.1: 95 of 1,611,716 alleles (0.0059%); highest among the groups gnomAD compares: African/African-American, 0.069%; no homozygotes.

Submission:

Women's Health and Genetics/Laboratory Corporation of America, LabCorp
Classification: Likely benign. Last evaluated: 2026-06-02. Review status: criteria provided, single submitter. Criteria: LabCorp Variant Classification Summary - May 2015. Collection method: clinical testing. Allele origin: germline.
Comment: Variant summary: WARS1 c.725+14G>A alters a nucleotide located at a position not widely known to affect splicing. Consensus agreement among computation tools predict no significant impact on normal splicing. However, these predictions have yet to be confirmed by functional studies. The variant allele was found at a frequency of 5.9e-05 in 1611716 control chromosomes, predominantly at a frequency of 0.00069 within the African or African-American subpopulation in the gnomAD database. This frequency is not significantly higher than estimated for disease-causing variants in WARS1, allowing no conclusion about variant significance. To our knowledge, no occurrence of c.725+14G>A in individuals affected with WARS1-related conditions and no experimental evidence demonstrating its impact on protein function have been reported. No submitters have cited clinical-significance assessments for this variant to ClinVar. Based on the evidence outlined above, the variant was classified as likely benign.